The following is an entry in ClinVar:

NM_015978.3(TNNI3K):c.2150T>C (p.Met717Thr)

Genes: FPGT-TNNI3K (FPGT-TNNI3K readthrough; plus strand), LRRC53 (leucine rich repeat containing 53; minus strand), TNNI3K (TNNI3 interacting kinase; plus strand). Cytogenetic location: 1p31.1.
Variant type: single nucleotide variant.
Coding change: c.2150T>C on transcript NM_015978.3 (MANE Select); coding-DNA position 2150, T replaced by C.
Protein change: p.Met717Thr; replaces methionine 717 with threonine.
Molecular consequence: missense variant. On other transcripts: intron variant (2).
Genome position (GRCh38, 1-based): chr1:74,489,217, T>C. VCF-style: chr1-74489217-T-C. GRCh37 (hg19) VCF-style: chr1-74954901-T-C.
Other names: c.2453T>C, p.Met818Thr (NM_001112808.3); c.-8-8249A>G (NM_001364666.2); c.-26-5842A>G (NM_001382280.1); short protein forms M717T, M818T.
Identifiers: ClinVar variation 1435480 (VCV001435480.9), dbSNP rs199698996, ClinGen allele CA909792.

ClinVar aggregate classification (germline): Conflicting classifications of pathogenicity. Review status: criteria provided, conflicting classifications (1 of 4 stars). 2 submissions from 2 submitters: Uncertain significance (1); Likely benign (1). Last evaluated 2025-12-24.

Allele frequency attached by ClinVar (database versions not stated): gnomAD 0.00006; gnomAD exomes 0.00006 and 0.00007; TOPMed 0.00006; ExAC 0.00008; ESP Exome Variant Server 0.00008.
gnomAD v4.1: 96 of 1,612,280 alleles (0.006%); highest among the groups gnomAD compares: Non-Finnish European, 0.005%; no homozygotes.

Submissions (2):

Labcorp Genetics (formerly Invitae), Labcorp
Classification: Uncertain significance. Last evaluated: 2025-12-24. Review status: criteria provided, single submitter. Criteria: Invitae Variant Classification Sherloc (09022015). Collection method: clinical testing. Allele origin: germline.
Comment: This sequence change replaces methionine, which is neutral and non-polar, with threonine, which is neutral and polar, at codon 717 of the TNNI3K protein (p.Met717Thr). This variant is present in population databases (rs199698996, gnomAD 0.04%), and has an allele count higher than expected for a pathogenic variant. This variant has not been reported in the literature in individuals affected with TNNI3K-related conditions. ClinVar contains an entry for this variant (Variation ID: 1435480). An algorithm developed to predict the effect of missense changes on protein structure and function outputs the following: PolyPhen-2: "Benign". The threonine amino acid residue is found in multiple mammalian species, which suggests that this missense change does not adversely affect protein function. In summary, the available evidence is currently insufficient to determine the role of this variant in disease. Therefore, it has been classified as a Variant of Uncertain Significance.

Blueprint Genetics
Classification: Likely benign. Last evaluated: 2024-11-14. Review status: criteria provided, single submitter. Criteria: ACMG Guidelines, 2015. Collection method: clinical testing. Allele origin: germline.